The following is an entry in ClinVar:

NM_178170.3(NEK8):c.1114del (p.Ala372fs)

Gene: NEK8 (NIMA related kinase 8; plus strand). Cytogenetic location: 17q11.2.
Variant type: Deletion.
Coding change: c.1114del on transcript NM_178170.3 (MANE Select); coding-DNA position 1114, one base deleted (G; older notation c.1114delG).
Protein change: p.Ala372fs; shifts the reading frame from alanine 372.
Molecular consequence: frameshift variant.
Genome position (GRCh38, 1-based): chr17:28,738,137, G deleted; the last of 4 consecutive G bases (chr17:28,738,134-28,738,137); deleting any one gives the same sequence. VCF-style (leftmost placement, unchanged base first): chr17-28738133-TG-T. GRCh37 (hg19) VCF-style: chr17-27065151-TG-T.
Other names: short protein forms A372fs.
Identifiers: ClinVar variation 3344433 (VCV003344433.1).

ClinVar aggregate classification (germline): Likely pathogenic (0 of 4 stars; one submission).

Conditions:
NEK8-related disorder. Also called: NEK8-related condition.

Submission:

PreventionGenetics, part of Exact Sciences
Classification: Likely pathogenic for NEK8-related condition. Last evaluated: 2024-09-03. Review status: no assertion criteria provided. Collection method: clinical testing. Allele origin: germline.
Comment: The NEK8 c.1114delG variant is predicted to result in a frameshift and premature protein termination (p.Ala372Glnfs*20). To our knowledge, this variant has not been reported in the literature or in a large population database, indicating this variant is rare. Frameshift variants in NEK8 are expected to be pathogenic. This variant is interpreted as likely pathogenic.